The following is an entry in ClinVar:

NM_172351.3(CD46):c.1050G>A (p.Pro350=)

Gene: CD46 (CD46 molecule; plus strand). Cytogenetic location: 1q32.2.
Variant type: single nucleotide variant.
Coding change: c.1050G>A on transcript NM_172351.3 (MANE Select); coding-DNA position 1050, G replaced by A.
Protein change: p.Pro350=; no amino-acid change (proline 350 retained).
Molecular consequence: synonymous variant. On other transcripts: intron variant (2).
Genome position (GRCh38, 1-based): chr1:207,785,650, G>A. VCF-style: chr1-207785650-G-A. GRCh37 (hg19) VCF-style: chr1-207958995-G-A.
Other names: c.1095G>A, p.Pro365= (NM_002389.4, NM_172359.3); c.1050G>A, p.Pro350= (NM_153826.4); c.1005G>A, p.Pro335= (NM_172352.3, NM_172353.3); c.1008G>A, p.Pro336= (NM_172355.3, NM_172356.3); c.963G>A, p.Pro321= (NM_172357.3, NM_172361.3); c.1019-6G>A (NM_172358.3); c.973+544G>A (NM_172350.3).
Identifiers: ClinVar variation 1337980 (VCV001337980.7), dbSNP rs1210978043, ClinGen allele CA422977241.

ClinVar aggregate classification (germline): Conflicting classifications of pathogenicity. Review status: criteria provided, conflicting classifications (1 of 4 stars). 2 submissions from 2 submitters: Uncertain significance (1); Likely benign (1). Last evaluated 2023-05-19.

Allele frequency attached by ClinVar (database versions not stated): gnomAD 0.00001; gnomAD exomes 0.00001.
gnomAD v4.1: 15 of 1,610,372 alleles (0.00093%); highest among the groups gnomAD compares: South Asian, 0.0011%; no homozygotes.

Submissions (2):

Labcorp Genetics (formerly Invitae), Labcorp
Classification: Uncertain significance. Last evaluated: 2023-05-19. Review status: criteria provided, single submitter. Criteria: Invitae Variant Classification Sherloc (09022015). Collection method: clinical testing. Allele origin: germline.
Comment: In summary, the available evidence is currently insufficient to determine the role of this variant in disease. Therefore, it has been classified as a Variant of Uncertain Significance. Algorithms developed to predict the effect of sequence changes on RNA splicing suggest that this variant may disrupt the consensus splice site. ClinVar contains an entry for this variant (Variation ID: 1337980). This variant has not been reported in the literature in individuals affected with CD46-related conditions. This variant is present in population databases (no rsID available, gnomAD 0.002%). This sequence change affects codon 365 of the CD46 mRNA. It is a 'silent' change, meaning that it does not change the encoded amino acid sequence of the CD46 protein.

Genetic Services Laboratory, University of Chicago
Classification: Likely benign. Last evaluated: 2021-06-18. Review status: criteria provided, single submitter. Criteria: ACMG Guidelines, 2015. Collection method: clinical testing. Allele origin: germline. Affected: no.